The following is an entry in ClinVar:

ClinVar aggregate classification (germline): Uncertain significance. Review status: criteria provided, multiple submitters, no conflicts (2 of 4 stars). 2 submissions from 2 submitters: Uncertain significance (2). Last evaluated 2025-01-07.

Conditions:
X-linked agammaglobulinemia with growth hormone deficiency (IGHD3). Also called: AGAMMAGLOBULINEMIA AND ISOLATED GROWTH HORMONE DEFICIENCY, X-LINKED; FLEISHER SYNDROME; HYPOGAMMAGLOBULINEMIA AND ISOLATED GROWTH HORMONE DEFICIENCY, X-LINKED; IGHD III; Isolated growth hormone deficiency type 3; Growth hormone deficiency with hypogammaglobulinemia. Identifiers: Orphanet 231692, Orphanet 631, MedGen C0472813, MONDO:0010615, OMIM 307200.

Allele frequency attached by ClinVar (database versions not stated): ExAC 0.00001; gnomAD exomes 0.00001.

Submissions (2):

Labcorp Genetics (formerly Invitae), Labcorp
Classification: Uncertain significance for X-linked agammaglobulinemia with growth hormone deficiency. Last evaluated: 2025-01-07. Review status: criteria provided, single submitter. Criteria: Invitae Variant Classification Sherloc (09022015). Collection method: clinical testing. Allele origin: germline.
Comment: This sequence change replaces glutamic acid, which is acidic and polar, with glycine, which is neutral and non-polar, at codon 608 of the BTK protein (p.Glu608Gly). This variant is present in population databases (rs781930404, gnomAD 0.001%), including at least one homozygous and/or hemizygous individual. This variant has not been reported in the literature in individuals affected with BTK-related conditions. ClinVar contains an entry for this variant (Variation ID: 384101). Invitae Evidence Modeling of protein sequence and biophysical properties (such as structural, functional, and spatial information, amino acid conservation, physicochemical variation, residue mobility, and thermodynamic stability) has been performed for this missense variant. However, the output from this modeling did not meet the statistical confidence thresholds required to predict the impact of this variant on BTK protein function. In summary, the available evidence is currently insufficient to determine the role of this variant in disease. Therefore, it has been classified as a Variant of Uncertain Significance.

GeneDx
Classification: Uncertain significance. Last evaluated: 2016-02-18. Review status: criteria provided, single submitter. Criteria: GeneDx Variant Classification (06012015). Collection method: clinical testing. Allele origin: germline. Affected: yes.
Comment: The E608G variant in the BTK gene has not been reported previously as a pathogenic variant, nor as a benign variant, to our knowledge. The E608G variant was not observed in approximately 6500 individuals of European and African American ancestry in the NHLBI Exome Sequencing Project, indicating it is not a common benign variant in these populations. The E608G variant is a non-conservative amino acid substitution, which is likely to impact secondary protein structure as these residues differ in polarity, charge, size and/or other properties. This substitution occurs at a position where amino acids with similar properties to Glutamic Acid are tolerated across species. In silico analysis is inconsistent in its predictions as to whether or not the variant is damaging to the protein structure/function. Missense variants in nearby residues (E605G, T606P, A607D, I610F, Q612P, G613D, G613A) have been reported in the Human Gene Mutation Database in association with agammaglobulinemia (Stenson et al., 2014), supporting the functional importance of this region of the protein. We interpret E608G as a variant of uncertain significance.

NM_000061.3(BTK):c.1823A>G (p.Glu608Gly)

Gene: BTK (Bruton tyrosine kinase; minus strand). Cytogenetic location: Xq22.1.
Variant type: single nucleotide variant.
Coding change: c.1823A>G on transcript NM_000061.3 (MANE Select); coding-DNA position 1823, A replaced by G.
Protein change: p.Glu608Gly; replaces glutamic acid 608 with glycine.
Molecular consequence: missense variant.
Genome position (GRCh38, 1-based): chrX:101,353,279, T>C on the plus strand (A>G on the coding strand, the complement: BTK is on the minus strand). VCF-style: chrX-101353279-T-C. GRCh37 (hg19) VCF-style: chrX-100608267-T-C.
Other names: c.1925A>G, p.Glu642Gly (NM_001287344.2); c.1295A>G, p.Glu432Gly (NM_001287345.2); short protein forms E608G, E432G, E642G.
Identifiers: ClinVar variation 384101 (VCV000384101.4), dbSNP rs781930404, ClinGen allele CA10472965.